The following is an entry in ClinVar:

ClinVar aggregate classification (germline): Uncertain significance (1 of 4 stars; one submission).

gnomAD v4.1: 6 of 1,142,950 alleles (0.00052%); highest among the groups gnomAD compares: African/African-American, 0.0034%; no homozygotes.

Submission:

Labcorp Genetics (formerly Invitae), Labcorp
Classification: Uncertain significance. Last evaluated: 2024-01-22. Review status: criteria provided, single submitter. Criteria: Invitae Variant Classification Sherloc (09022015). Collection method: clinical testing. Allele origin: germline.
Comment: This sequence change replaces arginine, which is basic and polar, with histidine, which is basic and polar, at codon 1012 of the GRIN2D protein (p.Arg1012His). This variant is present in population databases (no rsID available, gnomAD 0.01%). This variant has not been reported in the literature in individuals affected with GRIN2D-related conditions. ClinVar contains an entry for this variant (Variation ID: 2003780). Advanced modeling of protein sequence and biophysical properties (such as structural, functional, and spatial information, amino acid conservation, physicochemical variation, residue mobility, and thermodynamic stability) performed at Invitae indicates that this missense variant is not expected to disrupt GRIN2D protein function with a negative predictive value of 95%. In summary, the available evidence is currently insufficient to determine the role of this variant in disease. Therefore, it has been classified as a Variant of Uncertain Significance.

NM_000836.4(GRIN2D):c.3035G>A (p.Arg1012His)

Gene: GRIN2D (glutamate ionotropic receptor NMDA type subunit 2D; plus strand). Cytogenetic location: 19q13.33.
Variant type: single nucleotide variant.
Coding change: c.3035G>A on transcript NM_000836.4 (MANE Select); coding-DNA position 3035, G replaced by A.
Protein change: p.Arg1012His; replaces arginine 1012 with histidine.
Molecular consequence: missense variant.
Genome position (GRCh38, 1-based): chr19:48,442,961, G>A. VCF-style: chr19-48442961-G-A. GRCh37 (hg19) VCF-style: chr19-48946218-G-A.
Other names: short protein forms R1012H.
Identifiers: ClinVar variation 2003780 (VCV002003780.4), dbSNP rs1447126523, ClinGen allele CA406674732.